The following is an entry in ClinVar:

NC_000003.11:g.(?_12525978)_(12560697_12570386)dup

Gene: TSEN2 (tRNA splicing endonuclease subunit 2; plus strand). Cytogenetic location: 3p25.2.
Variant type: Duplication.
Identifiers: ClinVar variation 3366569 (VCV003366569.1).

ClinVar aggregate classification (germline): Uncertain significance (1 of 4 stars; one submission).

Submission:

Women's Health and Genetics/Laboratory Corporation of America, LabCorp
Classification: Uncertain significance. Last evaluated: 2024-08-27. Review status: criteria provided, single submitter. Criteria: LabCorp Variant Classification Summary - May 2015. Collection method: clinical testing. Allele origin: germline.
Comment: Variant summary: The variant involves the duplication of exons 1-8 in the TSEN2 gene. A presumed nomenclature of c.(?_-419)_(1099+1_1100-1)dup has been designated for the purposes of this classification. The exact breakpoint at the 5' end of this variant is unknown, therefore this duplication may extend upstream of the annotated region of this gene. It is predicted to duplicate a segment including the initiation codon, therefore its impact on the encoded protein is unknown. The variant was absent in 21694 control chromosomes (gnomAD, structural variants dataset). The available data on variant occurrences in the general population are insufficient to allow any conclusion about variant significance. To our knowledge, no occurrence of c.(?_-419)_(1099+1_1100-1)dup in individuals affected with Pontocerebellar Hypoplasia, Type 2B and no experimental evidence demonstrating its impact on protein function have been reported. ClinVar contains an entry for a similar variant (Variation ID: 686258). Based on the evidence outlined above, the variant was classified as uncertain significance.